The following is an entry in ClinVar:

ClinVar aggregate classification (germline): Uncertain significance (1 of 4 stars; one submission).

Conditions:
Congenital myasthenic syndrome 8. Also called: Myasthenic syndrome, congenital, 8, with pre- and postsynaptic defects; MYASTHENIC SYNDROME, CONGENITAL, DUE TO AGRIN DEFICIENCY. Identifiers: Orphanet 590, MedGen C3808739, MONDO:0014052, OMIM 615120.

gnomAD v4.1: 3 of 1,327,810 alleles (0.00023%); highest among the groups gnomAD compares: Non-Finnish European, 0.00029%; no homozygotes.

Submission:

Labcorp Genetics (formerly Invitae), Labcorp
Classification: Uncertain significance for Congenital myasthenic syndrome 8. Last evaluated: 2025-07-31. Review status: criteria provided, single submitter. Criteria: Invitae Variant Classification Sherloc (09022015). Collection method: clinical testing. Allele origin: germline.
Comment: This sequence change replaces alanine, which is neutral and non-polar, with proline, which is neutral and non-polar, at codon 2 of the AGRN protein (p.Ala2Pro). This variant is not present in population databases (gnomAD no frequency). This variant has not been reported in the literature in individuals affected with AGRN-related conditions. Experimental studies and prediction algorithms are not available or were not evaluated, and the functional significance of this variant is currently unknown. In summary, the available evidence is currently insufficient to determine the role of this variant in disease. Therefore, it has been classified as a Variant of Uncertain Significance.

NM_198576.4(AGRN):c.4G>C (p.Ala2Pro)

Gene: AGRN (agrin; plus strand). Cytogenetic location: 1p36.33.
Variant type: single nucleotide variant.
Coding change: c.4G>C on transcript NM_198576.4 (MANE Select); coding-DNA position 4, G replaced by C.
Protein change: p.Ala2Pro; replaces alanine 2 with proline.
Molecular consequence: missense variant.
Genome position (GRCh38, 1-based): chr1:1,020,176, G>C. VCF-style: chr1-1020176-G-C. GRCh37 (hg19) VCF-style: chr1-955556-G-C.
Other names: c.4G>C, p.Ala2Pro (NM_001305275.2); short protein forms A2P.
Identifiers: ClinVar variation 4739256 (VCV004739256.1).